The following is an entry in ClinVar:

NM_001318852.2(MAPK8IP3):c.950A>G (p.Asn317Ser)

Gene: MAPK8IP3 (mitogen-activated protein kinase 8 interacting protein 3; plus strand). Cytogenetic location: 16p13.3.
Variant type: single nucleotide variant.
Coding change: c.950A>G on transcript NM_001318852.2 (MANE Select); coding-DNA position 950, A replaced by G.
Protein change: p.Asn317Ser; replaces asparagine 317 with serine.
Molecular consequence: missense variant.
Genome position (GRCh38, 1-based): chr16:1,747,231, A>G. VCF-style: chr16-1747231-A-G. GRCh37 (hg19) VCF-style: chr16-1797232-A-G.
Other names: c.947A>G, p.Asn316Ser (NM_001040439.2, NM_015133.5); short protein forms N316S, N317S.
Identifiers: ClinVar variation 3388797 (VCV003388797.14).

ClinVar aggregate classification (germline): Likely benign (1 of 4 stars; one submission).

gnomAD v4.1: 115 of 1,613,722 alleles (0.0071%); highest among the groups gnomAD compares: Non-Finnish European, 0.0052%; no homozygotes.

Submission:

CeGaT Center for Human Genetics Tuebingen
Classification: Likely benign. Last evaluated: 2024-11-01. Review status: criteria provided, single submitter. Criteria: CeGaT Center For Human Genetics Tuebingen Variant Classification Criteria Version 2. Collection method: clinical testing. Allele origin: germline. Affected: yes. Observed: 1 variant allele.
Comment: MAPK8IP3: BS2